The following is an entry in ClinVar:

ClinVar aggregate classification (germline): Uncertain significance (1 of 4 stars; one submission).

Conditions:
Hereditary cancer-predisposing syndrome. Also called: Neoplastic Syndromes, Hereditary; Tumor predisposition; Hereditary neoplastic syndrome; Hereditary Cancer Syndrome. Identifiers: Orphanet 140162, MedGen C0027672, MeSH D009386, MONDO:0015356.

gnomAD v4.1: 1 of 1,612,648 alleles (0.000062%); highest among the groups gnomAD compares: Admixed American, 0.0017%; no homozygotes.

Submission:

Ambry Genetics
Classification: Uncertain significance for Hereditary cancer-predisposing syndrome. Last evaluated: 2026-06-29. Review status: criteria provided, single submitter. Criteria: Ambry Variant Classification Scheme 2023. Collection method: clinical testing. Allele origin: germline.
Comment: The p.Y1915C variant (also known as c.5744A>G), located in coding exon 37 of the ATM gene, results from an A to G substitution at nucleotide position 5744. The tyrosine at codon 1915 is replaced by cysteine, an amino acid with highly dissimilar properties. In an assay testing ATM function, this variant showed a functionally abnormal result (Lee KS et al. Cell, 2025 Sep;188:5081-5099.e27). This amino acid position is highly conserved in available vertebrate species. In addition, this alteration is predicted to be deleterious by in silico analysis. Based on the available evidence, the clinical significance of this variant remains unclear.

Literature cited by the submitters: PubMed 40580951.

NM_000051.4(ATM):c.5744A>G (p.Tyr1915Cys)

Gene: ATM (ATM serine/threonine kinase; plus strand). Cytogenetic location: 11q22.3.
Variant type: single nucleotide variant.
Coding change: c.5744A>G on transcript NM_000051.4 (MANE Select); coding-DNA position 5744, A replaced by G.
Protein change: p.Tyr1915Cys; replaces tyrosine 1915 with cysteine.
Molecular consequence: missense variant.
Genome position (GRCh38, 1-based): chr11:108,307,966, A>G. VCF-style: chr11-108307966-A-G. GRCh37 (hg19) VCF-style: chr11-108178693-A-G.
Other names: c.5744A>G, p.Tyr1915Cys (NM_001351834.2); short protein forms Y1915C.
Identifiers: ClinVar variation 5031068 (VCV005031068.1).
Genomic context (GRCh38, chr11:108,307,966, plus strand): 5'-ACTTTTTCCGATGCTGTTTGGATAAAAAATCACAAAGAACAATGCTTGCTGTTGTGGACT[A>G]CATGAGAAGACAAAAGAGGTAATGTAATGAGTGTTGCTTCTTACGTTTAGGATCTAGAGT-3'
Protein context (NP_000042.3, residues 1905-1925): SQRTMLAVVD[Tyr1915Cys]MRRQKRPSSG